The following is an entry in ClinVar:

NM_003072.5(SMARCA4):c.2294_2297dup (p.Ser767fs)

Gene: SMARCA4 (SWI/SNF related BAF chromatin remodeling complex subunit ATPase 4; plus strand). Cytogenetic location: 19p13.2.
Variant type: Duplication.
Coding change: c.2294_2297dup on transcript NM_003072.5 (MANE Select); coding-DNA positions 2294 to 2297, 4 bases duplicated (TGGT; older notation c.2294_2297dupTGGT).
Protein change: p.Ser767fs; shifts the reading frame from serine 767.
Molecular consequence: frameshift variant. On other transcripts: non-coding transcript variant (1).
Genome position (GRCh38, 1-based): chr19:11,012,968-11,012,971, TGGT duplicated. VCF-style (leftmost placement, unchanged base first): chr19-11012967-C-CTGGT. GRCh37 (hg19) VCF-style: chr19-11123643-C-CTGGT.
Other names: c.2294_2297dup, p.Ser767fs (NM_001128844.3, NM_001128845.2, NM_001128846.2 and 6 more transcripts); short protein forms S767fs.
Identifiers: ClinVar variation 4864751 (VCV004864751.1).

ClinVar aggregate classification (germline): Pathogenic (1 of 4 stars; one submission).

Conditions:
Hereditary cancer-predisposing syndrome. Also called: Neoplastic Syndromes, Hereditary; Tumor predisposition; Hereditary Cancer Syndrome; Hereditary neoplastic syndrome. Identifiers: Orphanet 140162, MedGen C0027672, MeSH D009386, MONDO:0015356.

Submission:

Ambry Genetics
Classification: Pathogenic for Hereditary cancer-predisposing syndrome. Last evaluated: 2026-04-10. Review status: criteria provided, single submitter. Criteria: Ambry Variant Classification Scheme 2023. Collection method: clinical testing. Allele origin: germline.
Comment: The c.2294_2297dupTGGT pathogenic mutation, located in coding exon 15 of the SMARCA4 gene, results from a duplication of TGGT at nucleotide position 2294, causing a translational frameshift with a predicted alternate stop codon (p.S767Gfs*58). This alteration is expected to result in loss of function by premature protein truncation or nonsense-mediated mRNA decay. Loss-of-function variants in SMARCA4 are known to cause rhabdoid tumor predisposition syndrome including small cell carcinoma of the ovary-hypercalcemic type (SCCOHT); however, such associations with neurodevelopmental disorders are exceedingly rare (Kosho T et al. Am J Med Genet C Semin Med Genet. 2014 Sep;166C(3):262-75; Jelinic P et al. Nat Genet. 2014 May;46(5):424-6). This variant is considered to be rare based on population cohorts in the Genome Aggregation Database (gnomAD). Based on the supporting evidence, this variant is pathogenic for rhabdoid tumor predisposition syndrome; however, the association of this variant with Coffin-Siris syndrome is unlikely.